The following is an entry in ClinVar:

ClinVar aggregate classification (germline): Uncertain significance. Review status: criteria provided, multiple submitters, no conflicts (2 of 4 stars). 3 submissions from 3 submitters: Uncertain significance (2). 1 of the submissions does not count toward it. Last evaluated 2022-07-24.

Conditions:
MHC class II deficiency. Also called: Bare lymphocyte syndrome 2; BLS, TYPE II. Identifiers: Orphanet 572, MedGen C5447452, MONDO:0008855.
Rheumatoid arthritis (RA). Also called: RHEUMATOID ARTHRITIS, SUSCEPTIBILITY TO. Identifiers: MedGen C0003873, MONDO:0008383, OMIM 180300, HP:0001370.

Allele frequency attached by ClinVar (database versions not stated): gnomAD 0.00001; TOPMed 0.00001; ESP Exome Variant Server 0.00008.

Submissions (3):

Labcorp Genetics (formerly Invitae), Labcorp
Classification: Uncertain significance for MHC class II deficiency. Last evaluated: 2022-07-24. Review status: criteria provided, single submitter. Criteria: Invitae Variant Classification Sherloc (09022015). Collection method: clinical testing. Allele origin: germline.
Comment: This sequence change replaces arginine, which is basic and polar, with cysteine, which is neutral and slightly polar, at codon 647 of the CIITA protein (p.Arg647Cys). This variant is present in population databases (rs372705496, gnomAD 0.003%). This variant has not been reported in the literature in individuals affected with CIITA-related conditions. ClinVar contains an entry for this variant (Variation ID: 972518). Algorithms developed to predict the effect of missense changes on protein structure and function are either unavailable or do not agree on the potential impact of this missense change (SIFT: "Tolerated"; PolyPhen-2: "Possibly Damaging"; Align-GVGD: "Class C0"). In summary, the available evidence is currently insufficient to determine the role of this variant in disease. Therefore, it has been classified as a Variant of Uncertain Significance.

Fulgent Genetics
Classification: Uncertain significance for Rheumatoid arthritis; MHC class II deficiency 1. Last evaluated: 2021-07-02. Review status: criteria provided, single submitter. Criteria: ACMG Guidelines, 2015. Collection method: clinical testing. Allele origin: unknown.

Natera, Inc.
Classification: Uncertain significance for Bare lymphocyte syndrome type II. Last evaluated: 2021-08-10. Review status: no assertion criteria provided. Collection method: clinical testing. Allele origin: germline. Not counted in ClinVar's aggregate classification.

NM_000246.4(CIITA):c.1939C>T (p.Arg647Cys)

Gene: CIITA (class II major histocompatibility complex transactivator; plus strand). Cytogenetic location: 16p13.13.
Variant type: single nucleotide variant.
Coding change: c.1939C>T on transcript NM_000246.4 (MANE Select); coding-DNA position 1939, C replaced by T.
Protein change: p.Arg647Cys; replaces arginine 647 with cysteine.
Molecular consequence: missense variant. On other transcripts: intron variant (1).
Genome position (GRCh38, 1-based): chr16:10,907,431, C>T. VCF-style: chr16-10907431-C-T. GRCh37 (hg19) VCF-style: chr16-11001288-C-T.
Other names: c.1942C>T, p.Arg648Cys (NM_001286402.1, NM_001379332.1); c.1795C>T, p.Arg599Cys (NM_001379330.1); c.1792C>T, p.Arg598Cys (NM_001379331.1); c.1939C>T, p.Arg647Cys (NM_001379333.1); c.1870C>T, p.Arg624Cys (NM_001379334.1); c.860-1552C>T (NM_001286403.2); short protein forms R624C, R598C, R647C, R648C, R599C.
Identifiers: ClinVar variation 972518 (VCV000972518.12), dbSNP rs372705496, ClinGen allele CA7900249.